The following is an entry in ClinVar:

NM_000787.4(DBH):c.486+15C>T

Gene: DBH (dopamine beta-hydroxylase; plus strand). Cytogenetic location: 9q34.2.
Variant type: single nucleotide variant.
Coding change: c.486+15C>T on transcript NM_000787.4 (MANE Select); 15 bases into the intron after coding-DNA position 486, C replaced by T.
Molecular consequence: intron variant.
Genome position (GRCh38, 1-based): chr9:133,640,007, C>T. VCF-style: chr9-133640007-C-T. GRCh37 (hg19) VCF-style: chr9-136505129-C-T.
Identifiers: ClinVar variation 365638 (VCV000365638.6), dbSNP rs749887039, ClinGen allele CA5313072.
Genomic context (GRCh38, chr9:133,640,007, plus strand): 5'-CAAGAGGCCCTTTGGCACCTGCGACCCCAAGGATTACCTCATTGAAGTAAGGGGTGGCCG[C>T]GAGTACCCAGGAGGGCGTGGGCTGCGTGTATCATGCTGCCATCCTGTGCCAATGTCATAG-3'

ClinVar aggregate classification (germline): Uncertain significance. Review status: criteria provided, multiple submitters, no conflicts (2 of 4 stars). 2 submissions from 2 submitters: Uncertain significance (2). Last evaluated 2025-11-17.

Conditions:
Orthostatic hypotension 1 (ORTHYP1). Also called: Dopamine beta-hydroxylase deficiency; Orthostatic hypotension 1, due to DBH deficiency; NORADRENALINE DEFICIENCY; NOREPINEPHRINE DEFICIENCY. Identifiers: Orphanet 230, MedGen C4746777, MONDO:0009123, OMIM 223360.

Allele frequency attached by ClinVar (database versions not stated): gnomAD exomes 0.00002; ExAC 0.00003; gnomAD 0.00003; TOPMed 0.00003.
gnomAD v4.1: 35 of 1,613,628 alleles (0.0022%); highest among the groups gnomAD compares: African/African-American, 0.0053%; no homozygotes.

Submissions (2):

Labcorp Genetics (formerly Invitae), Labcorp
Classification: Uncertain significance for Orthostatic hypotension 1. Last evaluated: 2025-11-17. Review status: criteria provided, single submitter. Criteria: Invitae Variant Classification Sherloc (09022015). Collection method: clinical testing. Allele origin: germline.
Comment: This sequence change falls in intron 2 of the DBH gene. It does not directly change the encoded amino acid sequence of the DBH protein. This variant is present in population databases (rs749887039, gnomAD 0.01%). This variant has not been reported in the literature in individuals affected with DBH-related conditions. ClinVar contains an entry for this variant (Variation ID: 365638). Algorithms developed to predict the effect of sequence changes on RNA splicing suggest that this variant may create or strengthen a splice site. In summary, the available evidence is currently insufficient to determine the role of this variant in disease. Therefore, it has been classified as a Variant of Uncertain Significance.

Illumina Laboratory Services, Illumina
Classification: Uncertain significance for Orthostatic hypotension 1. Last evaluated: 2018-01-13. Review status: criteria provided, single submitter. Criteria: ICSL Variant Classification Criteria 13 December 2019. Collection method: clinical testing. Allele origin: germline.